The following is an entry in ClinVar:

ClinVar aggregate classification (germline): Conflicting classifications of pathogenicity. Review status: criteria provided, conflicting classifications (1 of 4 stars). 3 submissions from 3 submitters: Pathogenic (1); Likely pathogenic (1); Uncertain significance (1). Last evaluated 2025-05-06.

Conditions:
Mucopolysaccharidosis, MPS-IV-A (MPS4A). Also called: Mucopolysaccharidosis type IV A; Mucopolysaccharidosis Type IVA; Morquio syndrome A, mild; MORQUIO SYNDROME A; MPS IVA; mucopolysaccharidosis type 4A. Identifiers: Orphanet 309297, Orphanet 582, MedGen C0086651, MONDO:0009659, OMIM 253000.

Submissions (3):

GeneDx
Classification: Likely pathogenic. Last evaluated: 2025-05-06. Review status: criteria provided, single submitter. Criteria: GeneDx Variant Classification Process June 2021. Collection method: clinical testing. Allele origin: germline. Affected: yes.
Comment: Not observed at significant frequency in large population cohorts (gnomAD); Stop codon loss and change to a Trp codon, leading to protein extension and the addition of 92 amino acids at the C-terminus; This variant is associated with the following publications: (PMID: 35005816, 23227063)

Labcorp Genetics (formerly Invitae), Labcorp
Classification: Pathogenic for Mucopolysaccharidosis, MPS-IV-A. Last evaluated: 2023-06-03. Review status: criteria provided, single submitter. Criteria: Invitae Variant Classification Sherloc (09022015). Collection method: clinical testing. Allele origin: germline.
Comment: For these reasons, this variant has been classified as Pathogenic. This variant results in an extension of the GALNS protein. Other variant(s) that result in a similarly extended protein product (p.*523Gluext*92) have been determined to be pathogenic (PMID: 30458289, 32014045, 33407246). This suggests that these extensions are likely to be disease-causing. ClinVar contains an entry for this variant (Variation ID: 1048363). This protein extension has been observed in individual(s) with clinical features of mucopolysaccharidosis IVA (PMID: 23227063, 35005816). This variant is not present in population databases (gnomAD no frequency). This sequence change disrupts the translational stop signal of the GALNS mRNA. It is expected to extend the length of the GALNS protein by 92 additional amino acid residues.

Laboratory of Diagnosis and Therapy of Lysosomal Disorders, University of Padova
Classification: Uncertain significance for Mucopolysaccharidosis, MPS-IV-A. Last evaluated: 2021-02-01. Review status: criteria provided, single submitter. Criteria: ACMG Guidelines, 2015. Collection method: curation. Allele origin: germline. Affected: yes.
Comment: In vivo functional studies supportive of a damaging effect on the gene product (low to null enzymatic activity in homozygotes; PS3_supporting); absent from gnomAD v2.1.1 (PM2_moderate); protein length changes as a result of loss variant in a nonrepeat region (PM4_moderate)

Literature cited by the submitters: PubMed 30458289 (cited by Labcorp Genetics (formerly Invitae), Labcorp); PubMed 32014045 (cited by Labcorp Genetics (formerly Invitae), Labcorp); PubMed 33407246 (cited by Labcorp Genetics (formerly Invitae), Labcorp); PubMed 23227063 (cited by Labcorp Genetics (formerly Invitae), Labcorp and Laboratory of Diagnosis and Therapy of Lysosomal Disorders, University of Padova); PubMed 35005816 (cited by Labcorp Genetics (formerly Invitae), Labcorp); PubMed 34387910 (cited by Laboratory of Diagnosis and Therapy of Lysosomal Disorders, University of Padova).

NM_000512.5(GALNS):c.1568A>G (p.Ter523Trp)

Gene: GALNS (galactosamine (N-acetyl)-6-sulfatase; minus strand). Cytogenetic location: 16q24.3.
Variant type: single nucleotide variant.
Coding change: c.1568A>G on transcript NM_000512.5 (MANE Select); coding-DNA position 1568, A replaced by G.
Protein change: p.Ter523Trp.
Molecular consequence: stop lost.
Genome position (GRCh38, 1-based): chr16:88,814,440, T>C on the plus strand (A>G on the coding strand, the complement: GALNS is on the minus strand). VCF-style: chr16-88814440-T-C. GRCh37 (hg19) VCF-style: chr16-88880848-T-C.
Other names: c.1013A>G, p.Ter338Trp (NM_001323543.2); c.1586A>G, p.Ter529Trp (NM_001323544.2); c.1568A>G (NM_000512.4).
Identifiers: ClinVar variation 1048363 (VCV001048363.7), dbSNP rs2142966615, ClinGen allele CA397092406.